The following is an entry in ClinVar:

NM_017763.6(RNF43):c.698A>T (p.Gln233Leu)

Gene: RNF43 (ring finger protein 43; minus strand). Cytogenetic location: 17q22.
Variant type: single nucleotide variant.
Coding change: c.698A>T on transcript NM_017763.6 (MANE Select); coding-DNA position 698, A replaced by T.
Protein change: p.Gln233Leu; replaces glutamine 233 with leucine.
Molecular consequence: missense variant.
Genome position (GRCh38, 1-based): chr17:58,360,934, T>A on the plus strand (A>T on the coding strand, the complement: RNF43 is on the minus strand). VCF-style: chr17-58360934-T-A. GRCh37 (hg19) VCF-style: chr17-56438295-T-A.
Other names: c.698A>T, p.Gln233Leu (NM_001305544.3, NM_001438820.1, NM_001438821.1 and 1 more transcripts); c.317A>T, p.Gln106Leu (NM_001305545.2, NM_001437987.1); short protein forms Q106L, Q233L.
Identifiers: ClinVar variation 5028354 (VCV005028354.1).

ClinVar aggregate classification (germline): Uncertain significance (1 of 4 stars; one submission).

Submission:

Ambry Genetics
Classification: Uncertain significance. Last evaluated: 2026-08-24. Review status: criteria provided, single submitter. Criteria: Ambry Variant Classification Scheme 2023. Collection method: clinical testing. Allele origin: germline.
Comment: The p.Q233L variant (also known as c.698A>T), located in coding exon 6 of the RNF43 gene, results from an A to T substitution at nucleotide position 698. The glutamine at codon 233 is replaced by leucine, an amino acid with dissimilar properties. This amino acid position is conserved. In addition, this alteration is predicted to be tolerated by in silico analysis. Based on the available evidence, the clinical significance of this variant remains unclear.